The following is an entry in ClinVar:

NM_002723.6(PRB4):c.402C>T (p.Pro134=)

Gene: PRB4 (proline rich protein BstNI subfamily 4; minus strand). Cytogenetic location: 12p13.2.
Variant type: single nucleotide variant.
Coding change: c.402C>T on transcript NM_002723.6 (MANE Select); coding-DNA position 402, C replaced by T.
Protein change: p.Pro134=; no amino-acid change (proline 134 retained).
Molecular consequence: synonymous variant. On other transcripts: intron variant (1).
Genome position (GRCh38, 1-based): chr12:11,308,581, G>A on the plus strand (C>T on the coding strand, the complement: PRB4 is on the minus strand). VCF-style: chr12-11308581-G-A. GRCh37 (hg19) VCF-style: chr12-11461515-G-A.
Other names: c.334+68C>T (NM_001261399.3).
Identifiers: ClinVar variation 2642718 (VCV002642718.24), dbSNP rs1448345792, ClinGen allele CA478842440.

ClinVar aggregate classification (germline): Likely benign (1 of 4 stars; one submission).

Submission:

CeGaT Center for Human Genetics Tuebingen
Classification: Likely benign. Last evaluated: 2023-03-01. Review status: criteria provided, single submitter. Criteria: CeGaT Center For Human Genetics Tuebingen Variant Classification Criteria Version 2. Collection method: clinical testing. Allele origin: germline. Affected: yes. Observed: 1 variant allele.
Comment: PRB4: PM2:Supporting, BP4, BP7